The following is an entry in ClinVar:

ClinVar aggregate classification (germline): Uncertain significance (1 of 4 stars; one submission).

Submission:

GeneDx
Classification: Uncertain significance. Last evaluated: 2025-01-23. Review status: criteria provided, single submitter. Criteria: GeneDx Variant Classification Process June 2021. Collection method: clinical testing. Allele origin: germline. Affected: yes.
Comment: Not observed at significant frequency in large population cohorts (gnomAD); Has not been previously published as pathogenic or benign to our knowledge; Canonical splice site variant in a gene for which loss-of-function is not an established mechanism of disease

NM_001037333.3(CYFIP2):c.1982+2dup

Gene: CYFIP2 (cytoplasmic FMR1 interacting protein 2; plus strand). Cytogenetic location: 5q33.3.
Variant type: Duplication.
Coding change: c.1982+2dup on transcript NM_001037333.3 (MANE Select); the canonical splice donor site of the intron after coding-DNA position 1982, one base duplicated (T; older notation c.1982+2dupT).
Molecular consequence: splice donor variant.
Genome position (GRCh38, 1-based): chr5:157,325,640, T duplicated. VCF-style (leftmost placement, unchanged base first): chr5-157325639-G-GT. GRCh37 (hg19) VCF-style: chr5-156752647-G-GT.
Other names: c.2057+2dup (NM_001291722.2); c.1904+2dup (NM_001291721.2); c.1982+2dup (NM_014376.4).
Identifiers: ClinVar variation 4071762 (VCV004071762.1).
Genomic context (GRCh38, chr5:157,325,639, plus strand): 5'-GTCCATGCCCTGGATTCTAACGGACCATATCCTGGAAACCAAAGAACCTTCCATGATGGA[G>GT]TAAGAGGCAGGATTGGGCCAGCAAGTGGCTCCTGGGGTACAAGTAGAGGGCAGTTTGCCA-3'